The following is an entry in ClinVar:

ClinVar aggregate classification (germline): Uncertain significance (1 of 4 stars; one submission).

Conditions:
Wiedemann-Steiner syndrome (WDSTS). Also called: Growth deficiency and mental retardation with facial dysmorphism. Identifiers: Orphanet 319182, MedGen C1854630, MONDO:0011518, OMIM 605130.

Submission:

Illumina Laboratory Services, Illumina
Classification: Uncertain significance for Wiedemann-Steiner syndrome. Last evaluated: 2019-10-08. Review status: criteria provided, single submitter. Criteria: ICSLVariantClassificationCriteria RUGD 01 April 2020. Collection method: clinical testing. Allele origin: unknown.
Comment: The KMT2A c.11870delA p.(Lys3957SerfsTer15) variant causes a shift in the protein reading frame that is predicted to result in premature termination of the protein. This variant occurs in the last exon of the gene and the resulting transcript may escape nonsense-mediated mRNA decay. A literature search was performed for the gene, cDNA change, and amino acid change. No publications were found based on this search. This variant is not found in the Genome Aggregation Database (version 2.1.1). The p.(Lys3957SerfsTer15) variant is located in the post-SET domain of KMT2A, which is suggested to be structurally important to the protein and may affect enzyme activity, but current information is limited (Southall et al. 2009; Cosgrove and Patel 2010). Based on the evidence, the c.11870delA p.(Lys3957SerfsTer15) variant is classified as a variant of uncertain significance for Wiedemann-Steiner syndrome.

NM_001197104.2(KMT2A):c.11870del (p.Lys3957fs)

Genes: TTC36-AS1 (TTC36 and KMT2A antisense RNA 1; minus strand), KMT2A (lysine methyltransferase 2A; plus strand). Cytogenetic location: 11q23.3.
Variant type: Deletion.
Coding change: c.11870del on transcript NM_001197104.2 (MANE Select); coding-DNA position 11870, one base deleted (A; older notation c.11870delA).
Protein change: p.Lys3957fs; shifts the reading frame from lysine 3957.
Molecular consequence: frameshift variant.
Genome position (GRCh38, 1-based): chr11:118,522,123, A deleted; the last of 2 consecutive A bases (chr11:118,522,122-118,522,123); deleting either gives the same sequence. VCF-style (leftmost placement, unchanged base first): chr11-118522121-CA-C. GRCh37 (hg19) VCF-style: chr11-118392836-CA-C.
Other names: c.11960del, p.Lys3987fs (NM_001412597.1); c.11861del, p.Lys3954fs (NM_005933.4); short protein forms K3954fs, K3957fs, K3987fs.
Identifiers: ClinVar variation 3062063 (VCV003062063.1), dbSNP rs2497134908, ClinGen allele CA2740093224.